The following is an entry in ClinVar:

NM_015275.3(WASHC4):c.2869G>T (p.Val957Leu)

Gene: WASHC4 (WASH complex subunit 4; plus strand). Cytogenetic location: 12q23.3.
Variant type: single nucleotide variant.
Coding change: c.2869G>T on transcript NM_015275.3 (MANE Select); coding-DNA position 2869, G replaced by T.
Protein change: p.Val957Leu; replaces valine 957 with leucine.
Molecular consequence: missense variant.
Genome position (GRCh38, 1-based): chr12:105,157,279, G>T. VCF-style: chr12-105157279-G-T. GRCh37 (hg19) VCF-style: chr12-105551057-G-T.
Other names: c.2869G>T (NM_015275.1); c.2872G>T, p.Val958Leu (NM_001293640.2); short protein forms V957L, V958L.
Identifiers: ClinVar variation 3252407 (VCV003252407.2), dbSNP rs951696706.

ClinVar aggregate classification (germline): Uncertain significance. Review status: criteria provided, multiple submitters, no conflicts (2 of 4 stars). 2 submissions from 2 submitters: Uncertain significance (2). Last evaluated 2025-09-26.

Allele frequency attached by ClinVar (database versions not stated): TOPMed below 0.00001.

Submissions (2):

Ambry Genetics
Classification: Uncertain significance. Last evaluated: 2025-09-26. Review status: criteria provided, single submitter. Criteria: Ambry Variant Classification Scheme 2023. Collection method: clinical testing. Allele origin: germline.

GeneDx
Classification: Uncertain significance. Last evaluated: 2023-10-08. Review status: criteria provided, single submitter. Criteria: GeneDx Variant Classification Process June 2021. Collection method: clinical testing. Allele origin: germline. Affected: yes.
Comment: Not observed at significant frequency in large population cohorts (gnomAD); In silico analysis supports that this missense variant does not alter protein structure/function; Has not been previously published as pathogenic or benign to our knowledge